The following is an entry in ClinVar:

NM_001375524.1(TRRAP):c.7590C>T (p.Asn2530=)

Gene: TRRAP (transformation/transcription domain associated protein; plus strand). Cytogenetic location: 7q22.1.
Variant type: single nucleotide variant.
Coding change: c.7590C>T on transcript NM_001375524.1 (MANE Select); coding-DNA position 7590, C replaced by T.
Protein change: p.Asn2530=; no amino-acid change (asparagine 2530 retained).
Molecular consequence: synonymous variant.
Genome position (GRCh38, 1-based): chr7:98,970,189, C>T. VCF-style: chr7-98970189-C-T. GRCh37 (hg19) VCF-style: chr7-98567812-C-T.
Other names: c.7515C>T (NM_003496.3); c.7569C>T, p.Asn2523= (NM_001244580.2); c.7515C>T, p.Asn2505= (NM_003496.4).
Identifiers: ClinVar variation 1913249 (VCV001913249.30), dbSNP rs754938319, ClinGen allele CA4361193.

ClinVar aggregate classification (germline): Likely benign. Review status: criteria provided, multiple submitters, no conflicts (2 of 4 stars). 3 submissions from 3 submitters: Likely benign (3). Last evaluated 2026-05-24.

Conditions:
TRRAP-related disorder. Also called: TRRAP-related condition.

Allele frequency attached by ClinVar (database versions not stated): ExAC 0.00001; gnomAD 0.00001; TOPMed 0.00002; gnomAD exomes 0.00003.
gnomAD v4.1: 42 of 1,613,820 alleles (0.0026%); highest among the groups gnomAD compares: South Asian, 0.0077%; no homozygotes.

Submissions (3):

PreventionGenetics, part of Exact Sciences
Classification: Likely benign for TRRAP-related condition. Last evaluated: 2026-05-24. Review status: criteria provided, single submitter. Criteria: ACMG Guidelines, 2015. Collection method: clinical testing. Allele origin: germline.
Comment: This variant is classified as likely benign based on ACMG/AMP sequence variant interpretation guidelines (Richards et al. 2015 PMID: 25741868, with internal and published modifications).

Labcorp Genetics (formerly Invitae), Labcorp
Classification: Likely benign. Last evaluated: 2025-06-07. Review status: criteria provided, single submitter. Criteria: Invitae Variant Classification Sherloc (09022015). Collection method: clinical testing. Allele origin: germline.

CeGaT Center for Human Genetics Tuebingen
Classification: Likely benign. Last evaluated: 2023-02-01. Review status: criteria provided, single submitter. Criteria: CeGaT Center For Human Genetics Tuebingen Variant Classification Criteria Version 2. Collection method: clinical testing. Allele origin: germline. Affected: yes. Observed: 1 variant allele.
Comment: TRRAP: BP4, BP7